The following is an entry in ClinVar:

NM_017662.5(TRPM6):c.5747G>C (p.Arg1916Pro)

Gene: TRPM6 (transient receptor potential cation channel subfamily M member 6; minus strand). Cytogenetic location: 9q21.13.
Variant type: single nucleotide variant.
Coding change: c.5747G>C on transcript NM_017662.5 (MANE Select); coding-DNA position 5747, G replaced by C.
Protein change: p.Arg1916Pro; replaces arginine 1916 with proline.
Molecular consequence: missense variant.
Genome position (GRCh38, 1-based): chr9:74,738,436, C>G on the plus strand (G>C on the coding strand, the complement: TRPM6 is on the minus strand). VCF-style: chr9-74738436-C-G. GRCh37 (hg19) VCF-style: chr9-77353352-C-G.
Other names: c.5732G>C, p.Arg1911Pro (NM_001177310.2, NM_001177311.2); short protein forms R1911P, R1916P.
Identifiers: ClinVar variation 3776234 (VCV003776234.1).

ClinVar aggregate classification (germline): Uncertain significance (1 of 4 stars; one submission).

Conditions:
Intestinal hypomagnesemia 1. Also called: HYPOMAGNESEMIA, INTESTINAL, WITH SECONDARY HYPOCALCEMIA; HYPOMAGNESEMIC TETANY. Identifiers: Orphanet 30924, MedGen C1865974, MONDO:0011176, OMIM 602014.

Submission:

3billion
Classification: Uncertain significance for Intestinal hypomagnesemia 1. Last evaluated: 2023-12-07. Review status: criteria provided, single submitter. Criteria: ACMG Guidelines, 2015. Collection method: clinical testing. Allele origin: germline. Affected: yes.
Comment: The variant is not observed in the gnomAD v2.1.1 dataset. Predicted Consequence/Location: The majority of the known disease-causing variants of this gene are variants expected to result in premature termination of the protein. Premature termination of the protein is a common disease-causing mechanism for this gene. Damaging effect on gene or gene product predicted by in silico programs is uncertain [REVEL: 0.26 (damaging >=0.6, benign <0.4), 3Cnet: 0.26 (damaging >=0.6, benign <0.15)]. Therefore, this variant is classified as VUS according to the recommendation of ACMG/AMP guideline.